The following is an entry in ClinVar:

ClinVar aggregate classification (germline): Likely benign. Review status: criteria provided, single submitter (1 of 4 stars). 2 submissions from 2 submitters: Likely benign (1). 1 of the submissions does not count toward it. Last evaluated 2024-08-01.

Conditions:
SETD1B-related disorder. Also called: SETD1B-related condition.

Allele frequency attached by ClinVar (database versions not stated): gnomAD 0.00049; TOPMed 0.00051; ExAC 0.00219.
gnomAD v4.1: 706 of 1,549,826 alleles (0.046%); highest among the groups gnomAD compares: East Asian, 0.16%; 7 homozygotes.

Submissions (2):

CeGaT Center for Human Genetics Tuebingen
Classification: Likely benign. Last evaluated: 2024-08-01. Review status: criteria provided, single submitter. Criteria: CeGaT Center For Human Genetics Tuebingen Variant Classification Criteria Version 2. Collection method: clinical testing. Allele origin: germline. Affected: yes. Observed: 3 variant alleles.
Comment: SETD1B: PP2, BS1

PreventionGenetics, part of Exact Sciences
Classification: Benign for SETD1B-related condition. Last evaluated: 2019-11-27. Review status: no assertion criteria provided. Collection method: clinical testing. Allele origin: germline. Not counted in ClinVar's aggregate classification.
Comment: This variant is classified as benign based on ACMG/AMP sequence variant interpretation guidelines (Richards et al. 2015 PMID: 25741868, with internal and published modifications).

NM_001353345.2(SETD1B):c.1232C>T (p.Pro411Leu)

Gene: SETD1B (SET domain containing 1B, histone lysine methyltransferase; plus strand). Cytogenetic location: 12q24.31.
Variant type: single nucleotide variant.
Coding change: c.1232C>T on transcript NM_001353345.2 (MANE Select); coding-DNA position 1232, C replaced by T.
Protein change: p.Pro411Leu; replaces proline 411 with leucine.
Molecular consequence: missense variant.
Genome position (GRCh38, 1-based): chr12:121,810,177, C>T. VCF-style: chr12-121810177-C-T. GRCh37 (hg19) VCF-style: chr12-122248083-C-T.
Other names: NM_015048.1:c.1232C>T; short protein forms P411L.
Identifiers: ClinVar variation 2643428 (VCV002643428.25), dbSNP rs61734124, ClinGen allele CA6838845.
Genomic context (GRCh38, chr12:121,810,177, plus strand): 5'-CTGGATTCAAGTCTGCTTTCTCTCCGTATCAGACCCCAGTGGCCCACTTCCCTCCACCCC[C>T]GGAAGAGCCCACCGCCACAGCCGCTTTTGGGGCCCGCGACAGTGGGGAGTTCCGGAGGGC-3'
Protein context (NP_001340274.1, residues 401-421): QTPVAHFPPP[Pro411Leu]EEPTATAAFG